The following is an entry in ClinVar:

NM_000135.4(FANCA):c.520C>T (p.Gln174Ter)

Gene: FANCA (FA complementation group A; minus strand). Cytogenetic location: 16q24.3.
Variant type: single nucleotide variant.
Coding change: c.520C>T on transcript NM_000135.4 (MANE Select); coding-DNA position 520, C replaced by T.
Protein change: p.Gln174Ter; replaces glutamine 174 with a stop codon.
Molecular consequence: nonsense. On other transcripts: intron variant (1).
Genome position (GRCh38, 1-based): chr16:89,810,709, G>A on the plus strand (C>T on the coding strand, the complement: FANCA is on the minus strand). VCF-style: chr16-89810709-G-A. GRCh37 (hg19) VCF-style: chr16-89877117-G-A.
Other names: c.520C>T, p.Gln174Ter (NM_001018112.3, NM_001286167.3); c.426+220C>T (NM_001351830.2); short protein forms Q174*.
Identifiers: ClinVar variation 984164 (VCV000984164.3), dbSNP rs1454055874, ClinGen allele CA397480639.

ClinVar aggregate classification (germline): Likely pathogenic (1 of 4 stars; one submission).

Conditions:
Fanconi anemia complementation group A (FANCA). Also called: Fanconi anemia, group A; FANCA-Related Fanconi Anemia. Identifiers: Orphanet 84, MedGen C3469521, MONDO:0009215, OMIM 227650.

Submission:

Myriad Genetics, Inc.
Classification: Likely pathogenic for Fanconi anemia complementation group A. Last evaluated: 2019-05-05. Review status: criteria provided, single submitter. Criteria: Myriad Women's Health Autosomal Recessive and X-Linked Classification Criteria (2019). Collection method: clinical testing. Allele origin: unknown.
Comment: NM_000135.2(FANCA):c.520C>T(Q174*) is expected to be pathogenic in the context of Fanconi anemia complementation group A. This variant is predicted to lead to an abnormal or absent protein product due to the creation of a premature termination codon in FANCA, a gene where loss-of-function variants are known to be pathogenic. Please note: this variant was assessed in the context of healthy population screening.